The following is an entry in ClinVar:

ClinVar aggregate classification (germline): Benign. Review status: criteria provided, multiple submitters, no conflicts (2 of 4 stars). 7 submissions from 7 submitters: Benign (5). 2 of the submissions do not count toward it. Last evaluated 2023-11-12.

Conditions:
Hereditary breast ovarian cancer syndrome. Also called: Hereditary breast and ovarian cancer syndrome (HBOC); Breast and ovarian cancer; Hereditary breast and ovarian cancer syndrome; Hereditary breast and ovarian cancer; Hereditary breast and/or ovarian cancer syndrome; BRCA1- and BRCA2-Associated Hereditary Breast and Ovarian Cancer. Identifiers: Orphanet 145, MedGen C0677776, MeSH D061325, MONDO:0003582. Disease mechanism: loss of function.
Ataxia-telangiectasia syndrome (AT). Also called: LOUIS-BAR SYNDROME; Cerebello-oculocutaneous telangiectasia; Immunodeficiency with ataxia telangiectasia; Ataxia-telangiectasia, complementation group D; AT, COMPLEMENTATION GROUP C; ATAXIA-TELANGIECTASIA, COMPLEMENTATION GROUP A. Identifiers: Orphanet 100, MedGen C0004135, MONDO:0008840, OMIM 208900.

Allele frequency attached by ClinVar (database versions not stated): 1000 Genomes Project 0.53514; ESP Exome Variant Server 0.51818; TOPMed 0.52853; 1000 Genomes Project 30x 0.53545.
gnomAD v4.1: 797,745 of 1,417,564 alleles (56%); highest among the groups gnomAD compares: Middle Eastern, 72%; 227,018 homozygotes.

Submissions (7):

Unidad de Genómica Garrahan, Hospital de Pediatría Garrahan
Classification: Benign. Last evaluated: 2023-11-12. Review status: criteria provided, single submitter. Criteria: ACMG Guidelines, 2015. Collection method: clinical testing. Allele origin: germline. Affected: no. Observed: 65 variant alleles.
Comment: This variant is classified as Benign based on local population frequency. This variant was detected in 68% of patients studied by a panel of primary immunodeficiencies. Number of patients: 65. Only high quality variants are reported.

National Health Laboratory Service, Universitas Academic Hospital and University of the Free State
Classification: Benign for Hereditary breast ovarian cancer syndrome. Last evaluated: 2022-04-19. Review status: criteria provided, single submitter. Criteria: ACMG Guidelines, 2015. Collection method: clinical testing. Allele origin: germline. Affected: yes. Observed: 153 variant alleles.

Genome-Nilou Lab
Classification: Benign for Ataxia-telangiectasia syndrome. Last evaluated: 2021-07-01. Review status: criteria provided, single submitter. Criteria: ACMG Guidelines, 2015. Collection method: clinical testing. Allele origin: germline. Affected: no.

GeneDx
Classification: Benign. Last evaluated: 2015-03-03. Review status: criteria provided, single submitter. Criteria: GeneDx Variant Classification Process June 2021. Collection method: clinical testing. Allele origin: germline. Affected: yes.

Breakthrough Genomics
Classification: Benign. Review status: criteria provided, single submitter. Criteria: ACMG Guidelines, 2015. Collection method: not provided. Allele origin: germline. Inheritance: Autosomal recessive inheritance. Affected: yes.

Clinical Genetics Laboratory, Department of Pathology, Netherlands Cancer Institute
Classification: Benign. Review status: no assertion criteria provided. Collection method: clinical testing. Allele origin: germline. Affected: yes. Study: VKGL Data-share Consensus. Not counted in ClinVar's aggregate classification.

Joint Genome Diagnostic Labs from Nijmegen and Maastricht, Radboudumc and MUMC+
Classification: Benign. Review status: no assertion criteria provided. Collection method: clinical testing. Allele origin: germline. Affected: yes. Study: VKGL Data-share Consensus. Not counted in ClinVar's aggregate classification.

NM_000051.4(ATM):c.8787-55C>T

Genes: ATM (ATM serine/threonine kinase; plus strand), C11orf65 (chromosome 11 open reading frame 65; minus strand). Cytogenetic location: 11q22.3.
Variant type: single nucleotide variant.
Coding change: c.8787-55C>T on transcript NM_000051.4 (MANE Select); 55 bases into the intron before coding-DNA position 8787, C replaced by T.
Molecular consequence: intron variant.
Genome position (GRCh38, 1-based): chr11:108,354,756, C>T. VCF-style: chr11-108354756-C-T. GRCh37 (hg19) VCF-style: chr11-108225483-C-T.
Other names: c.8787-55C>T (NM_001351834.2); c.640+31164G>A (NM_001330368.2); c.695-19464G>A (NM_001351110.2).
Identifiers: ClinVar variation 1177616 (VCV001177616.11), dbSNP rs664982, ClinGen allele CA13491713.